The following is an entry in ClinVar:

ClinVar aggregate classification (germline): Uncertain significance (1 of 4 stars; one submission).

Conditions:
Inborn genetic diseases. Identifiers: MedGen C0950123, MeSH D030342.

gnomAD v4.1: 1 of 1,606,556 alleles (0.000062%); highest among the groups gnomAD compares: Non-Finnish European, 0.000085%; no homozygotes.

Submission:

Ambry Genetics
Classification: Uncertain significance for Inborn genetic diseases. Last evaluated: 2022-04-26. Review status: criteria provided, single submitter. Criteria: Ambry Variant Classification Scheme 2023. Collection method: clinical testing. Allele origin: germline.
Comment: The p.R165L variant (also known as c.494G>T), located in coding exon 4 of the PRX gene, results from a G to T substitution at nucleotide position 494. The arginine at codon 165 is replaced by leucine, an amino acid with dissimilar properties. This amino acid position is conserved. In addition, this alteration is predicted to be tolerated by in silico analysis. Since supporting evidence is limited at this time, the clinical significance of this alteration remains unclear.

NM_181882.3(PRX):c.494G>T (p.Arg165Leu)

Gene: PRX (periaxin; minus strand). Cytogenetic location: 19q13.2.
Variant type: single nucleotide variant.
Coding change: c.494G>T on transcript NM_181882.3 (MANE Select); coding-DNA position 494, G replaced by T.
Protein change: p.Arg165Leu; replaces arginine 165 with leucine.
Molecular consequence: missense variant. On other transcripts: 3 prime UTR variant (1).
Genome position (GRCh38, 1-based): chr19:40,397,858, C>A on the plus strand (G>T on the coding strand, the complement: PRX is on the minus strand). VCF-style: chr19-40397858-C-A. GRCh37 (hg19) VCF-style: chr19-40903765-C-A.
Other names: c.779G>T, p.Arg260Leu (NM_001411127.1); c.*699G>T (NM_020956.2); short protein forms R165L, R260L.
Identifiers: ClinVar variation 1744326 (VCV001744326.2), dbSNP rs780278195, ClinGen allele CA405900398.